The following is an entry in ClinVar:

NM_000138.5(FBN1):c.4942+2T>C

Gene: FBN1 (fibrillin 1; minus strand). Cytogenetic location: 15q21.1.
Variant type: single nucleotide variant.
Coding change: c.4942+2T>C on transcript NM_000138.5 (MANE Select); the canonical splice donor site of the intron after coding-DNA position 4942, T replaced by C.
Molecular consequence: splice donor variant.
Genome position (GRCh38, 1-based): chr15:48,465,566, A>G on the plus strand (T>C on the coding strand, the complement: FBN1 is on the minus strand). VCF-style: chr15-48465566-A-G. GRCh37 (hg19) VCF-style: chr15-48757763-A-G.
Other names: c.4942+2T>C (NM_001406716.1).
Identifiers: ClinVar variation 1069595 (VCV001069595.9), dbSNP rs2141269534, ClinGen allele CA392351044.

ClinVar aggregate classification (germline): Pathogenic (1 of 4 stars; one submission).

Conditions:
Familial thoracic aortic aneurysm and aortic dissection (TAAD). Also called: Thoracic aortic aneurysms and dissections. Identifiers: Orphanet 91387, MedGen C4707243, MONDO:0019625.
Marfan syndrome (MFS). Also called: Marfan syndrome type 1; Marfan's syndrome; Marfan syndrome, classic; MARFAN SYNDROME, TYPE I; FBN1-Related Marfan Syndrome. Identifiers: Orphanet 284963, Orphanet 558, MedGen C0024796, MONDO:0007947, OMIM 154700.

Submission:

Labcorp Genetics (formerly Invitae), Labcorp
Classification: Pathogenic for Marfan syndrome; Familial thoracic aortic aneurysm and aortic dissection. Last evaluated: 2022-01-06. Review status: criteria provided, single submitter. Criteria: Invitae Variant Classification Sherloc (09022015). Collection method: clinical testing. Allele origin: germline.
Comment: For these reasons, this variant has been classified as Pathogenic. Algorithms developed to predict the effect of sequence changes on RNA splicing suggest that this variant may disrupt the consensus splice site. ClinVar contains an entry for this variant (Variation ID: 1069595). Disruption of this splice site has been observed in individuals with Marfan syndrome (PMID: 17253931, 22772377). This variant is not present in population databases (gnomAD no frequency). This sequence change affects a donor splice site in intron 40 of the FBN1 gene. It is expected to disrupt RNA splicing. Variants that disrupt the donor or acceptor splice site typically lead to a loss of protein function (PMID: 16199547), and loss-of-function variants in FBN1 are known to be pathogenic (PMID: 17657824, 19293843).

Literature cited by the submitters: PubMed 17253931; PubMed 22772377; PubMed 16199547; PubMed 17657824; PubMed 19293843.